The following is an entry in ClinVar:

ClinVar aggregate classification (germline): Uncertain significance. Review status: criteria provided, multiple submitters, no conflicts (2 of 4 stars). 2 submissions from 2 submitters: Uncertain significance (2). Last evaluated 2024-07-03.

Conditions:
Inborn genetic diseases. Identifiers: MedGen C0950123, MeSH D030342.

Allele frequency attached by ClinVar (database versions not stated): ExAC 0.00001; gnomAD exomes 0.00001; gnomAD 0.00005; TOPMed 0.00005; ESP Exome Variant Server 0.00008.
gnomAD v4.1: 19 of 1,614,064 alleles (0.0012%); highest among the groups gnomAD compares: African/African-American, 0.011%; no homozygotes.

Submissions (2):

Labcorp Genetics (formerly Invitae), Labcorp
Classification: Uncertain significance. Last evaluated: 2024-07-03. Review status: criteria provided, single submitter. Criteria: Invitae Variant Classification Sherloc (09022015). Collection method: clinical testing. Allele origin: germline.
Comment: This sequence change replaces valine, which is neutral and non-polar, with isoleucine, which is neutral and non-polar, at codon 3268 of the HSPG2 protein (p.Val3268Ile). This variant is present in population databases (rs369779309, gnomAD 0.01%). This variant has not been reported in the literature in individuals affected with HSPG2-related conditions. ClinVar contains an entry for this variant (Variation ID: 1408325). Algorithms developed to predict the effect of missense changes on protein structure and function output the following: SIFT: "Not Available"; PolyPhen-2: "Benign"; Align-GVGD: "Not Available". The isoleucine amino acid residue is found in multiple mammalian species, which suggests that this missense change does not adversely affect protein function. In summary, the available evidence is currently insufficient to determine the role of this variant in disease. Therefore, it has been classified as a Variant of Uncertain Significance.

Ambry Genetics
Classification: Uncertain significance for Inborn genetic diseases. Last evaluated: 2024-05-13. Review status: criteria provided, single submitter. Criteria: Ambry Variant Classification Scheme 2023. Collection method: clinical testing. Allele origin: germline.

NM_005529.7(HSPG2):c.9802G>A (p.Val3268Ile)

Gene: HSPG2 (heparan sulfate proteoglycan 2; minus strand). Cytogenetic location: 1p36.12.
Variant type: single nucleotide variant.
Coding change: c.9802G>A on transcript NM_005529.7 (MANE Select); coding-DNA position 9802, G replaced by A.
Protein change: p.Val3268Ile; replaces valine 3268 with isoleucine.
Molecular consequence: missense variant.
Genome position (GRCh38, 1-based): chr1:21,839,458, C>T on the plus strand (G>A on the coding strand, the complement: HSPG2 is on the minus strand). VCF-style: chr1-21839458-C-T. GRCh37 (hg19) VCF-style: chr1-22165951-C-T.
Other names: c.9802G>A (NM_005529.5); c.9805G>A, p.Val3269Ile (NM_001291860.2); short protein forms V3268I, V3269I.
Identifiers: ClinVar variation 1408325 (VCV001408325.7), dbSNP rs369779309, ClinGen allele CA670327.